The following is an entry in ClinVar:

NM_213595.4(ISCU):c.39A>C (p.Ala13=)

Gene: ISCU (iron-sulfur cluster assembly enzyme; plus strand). Cytogenetic location: 12q23.3.
Variant type: single nucleotide variant.
Coding change: c.39A>C on transcript NM_213595.4 (MANE Select); coding-DNA position 39, A replaced by C.
Protein change: p.Ala13=; no amino-acid change (alanine 13 retained).
Molecular consequence: synonymous variant. On other transcripts: 5 prime UTR variant (1), non-coding transcript variant (1).
Genome position (GRCh38, 1-based): chr12:108,562,661, A>C. VCF-style: chr12-108562661-A-C. GRCh37 (hg19) VCF-style: chr12-108956437-A-C.
Other names: c.39A>C (NM_213595.3); c.39A>C, p.Ala13= (NM_001301140.1, NM_001301141.1, NM_001320042.1); c.-133A>C (NM_014301.4).
Identifiers: ClinVar variation 1194859 (VCV001194859.35), dbSNP rs533283101, ClinGen allele CA6768705.

ClinVar aggregate classification (germline): Likely benign. Review status: criteria provided, multiple submitters, no conflicts (2 of 4 stars). 4 submissions from 4 submitters: Likely benign (3). 1 of the submissions does not count toward it. Last evaluated 2025-11-27.

Conditions:
ISCU-related disorder. Also called: ISCU-related condition.

Allele frequency attached by ClinVar (database versions not stated): gnomAD exomes 0.00019; 1000 Genomes Project 30x 0.00031; ExAC 0.00086; 1000 Genomes Project 0.00120.
gnomAD v4.1: 117 of 1,454,916 alleles (0.008%); highest among the groups gnomAD compares: South Asian, 0.15%; no homozygotes.

Submissions (4):

Labcorp Genetics (formerly Invitae), Labcorp
Classification: Likely benign. Last evaluated: 2025-11-27. Review status: criteria provided, single submitter. Criteria: Invitae Variant Classification Sherloc (09022015). Collection method: clinical testing. Allele origin: germline.

CeGaT Center for Human Genetics Tuebingen
Classification: Likely benign. Last evaluated: 2025-07-01. Review status: criteria provided, single submitter. Criteria: CeGaT Center For Human Genetics Tuebingen Variant Classification Criteria Version 2. Collection method: clinical testing. Allele origin: germline. Affected: yes. Observed: 1 variant allele.
Comment: ISCU: BP4, BP7

GeneDx
Classification: Likely benign. Last evaluated: 2020-08-03. Review status: criteria provided, single submitter. Criteria: GeneDx Variant Classification Process June 2021. Collection method: clinical testing. Allele origin: germline. Affected: yes.

PreventionGenetics, part of Exact Sciences
Classification: Likely benign for ISCU-related condition. Last evaluated: 2020-10-20. Review status: no assertion criteria provided. Collection method: clinical testing. Allele origin: germline. Not counted in ClinVar's aggregate classification.
Comment: This variant is classified as likely benign based on ACMG/AMP sequence variant interpretation guidelines (Richards et al. 2015 PMID: 25741868, with internal and published modifications).